The following is an entry in ClinVar:

NM_001015877.2(PHF6):c.77A>T (p.Lys26Met)

Gene: PHF6 (PHD finger protein 6; plus strand). Cytogenetic location: Xq26.2.
Variant type: single nucleotide variant.
Coding change: c.77A>T on transcript NM_001015877.2 (MANE Select); coding-DNA position 77, A replaced by T.
Protein change: p.Lys26Met; replaces lysine 26 with methionine.
Molecular consequence: missense variant.
Genome position (GRCh38, 1-based): chrX:134,377,694, A>T. VCF-style: chrX-134377694-A-T. GRCh37 (hg19) VCF-style: chrX-133511724-A-T.
Other names: c.77A>T, p.Lys26Met (NM_032335.3, NM_032458.3); short protein forms K26M.
Identifiers: ClinVar variation 1806493 (VCV001806493.1), dbSNP rs2077284287, ClinGen allele CA414710755.

ClinVar aggregate classification (germline): Uncertain significance (1 of 4 stars; one submission).

Allele frequency attached by ClinVar (database versions not stated): TOPMed below 0.00001.

Submission:

GeneDx
Classification: Uncertain significance. Last evaluated: 2022-06-20. Review status: criteria provided, single submitter. Criteria: GeneDx Variant Classification Process June 2021. Collection method: clinical testing. Allele origin: germline. Affected: yes.
Comment: Not observed at significant frequency in large population cohorts (gnomAD); In silico analysis supports that this missense variant does not alter protein structure/function; Has not been previously published as pathogenic or benign to our knowledge